The following is an entry in ClinVar:

ClinVar aggregate classification (germline): Likely benign. Review status: criteria provided, multiple submitters, no conflicts (2 of 4 stars). 3 submissions from 3 submitters: Likely benign (2). 1 of the submissions does not count toward it. Last evaluated 2025-10-10.

Conditions:
GABRB3-related disorder. Also called: GABRB3-related condition.
Epilepsy, childhood absence, susceptibility to, 1. Also called: Epilepsy, childhood absence 1. Identifiers: Orphanet 64280, MedGen C1838604, MONDO:0020759, OMIM 600131.
Epilepsy, childhood absence, susceptibility to, 5. Identifiers: Orphanet 64280, MedGen C2677087, MONDO:0012843, OMIM 612269.

Allele frequency attached by ClinVar (database versions not stated): gnomAD exomes 0.00002 and 0.00006; ExAC 0.00008; 1000 Genomes Project 30x 0.00016; 1000 Genomes Project 0.00020; gnomAD 0.00029 and 0.00031; ESP Exome Variant Server 0.00031; TOPMed 0.00038.
gnomAD v4.1: 71 of 1,612,682 alleles (0.0044%); highest among the groups gnomAD compares: African/African-American, 0.088%; no homozygotes.

Submissions (3):

Labcorp Genetics (formerly Invitae), Labcorp
Classification: Likely benign for Epilepsy, childhood absence, susceptibility to, 5; Epilepsy, childhood absence, susceptibility to, 1. Last evaluated: 2025-10-10. Review status: criteria provided, single submitter. Criteria: Invitae Variant Classification Sherloc (09022015). Collection method: clinical testing. Allele origin: germline.

GeneDx
Classification: Likely benign. Last evaluated: 2018-02-22. Review status: criteria provided, single submitter. Criteria: GeneDx Variant Classification (06012015). Collection method: clinical testing. Allele origin: germline. Affected: yes.
Comment: This variant is considered likely benign or benign based on one or more of the following criteria: it is a conservative change, it occurs at a poorly conserved position in the protein, it is predicted to be benign by multiple in silico algorithms, and/or has population frequency not consistent with disease.

PreventionGenetics, part of Exact Sciences
Classification: Likely benign for GABRB3-related condition. Last evaluated: 2019-03-05. Review status: no assertion criteria provided. Collection method: clinical testing. Allele origin: germline. Not counted in ClinVar's aggregate classification.
Comment: This variant is classified as likely benign based on ACMG/AMP sequence variant interpretation guidelines (Richards et al. 2015 PMID: 25741868, with internal and published modifications).

NM_000814.6(GABRB3):c.835+8C>T

Gene: GABRB3 (gamma-aminobutyric acid type A receptor subunit beta3; minus strand). Cytogenetic location: 15q12.
Variant type: single nucleotide variant.
Coding change: c.835+8C>T on transcript NM_000814.6 (MANE Select); 8 bases into the intron after coding-DNA position 835, C replaced by T.
Molecular consequence: intron variant.
Genome position (GRCh38, 1-based): chr15:26,567,573, G>A on the plus strand (C>T on the coding strand, the complement: GABRB3 is on the minus strand). VCF-style: chr15-26567573-G-A. GRCh37 (hg19) VCF-style: chr15-26812720-G-A.
Other names: c.835+8C>T (NM_021912.5); c.580+8C>T (NM_001278631.2, NM_001191320.2); c.622+8C>T (NM_001191321.3).
Identifiers: ClinVar variation 507913 (VCV000507913.14), dbSNP rs75812437, ClinGen allele CA7437360.